The following is an entry in ClinVar:

NM_003235.5(TG):c.385G>A (p.Val129Ile)

Gene: TG (thyroglobulin; plus strand). Cytogenetic location: 8q24.22.
Variant type: single nucleotide variant.
Coding change: c.385G>A on transcript NM_003235.5 (MANE Select); coding-DNA position 385, G replaced by A.
Protein change: p.Val129Ile; replaces valine 129 with isoleucine.
Molecular consequence: missense variant.
Genome position (GRCh38, 1-based): chr8:132,871,458, G>A. VCF-style: chr8-132871458-G-A. GRCh37 (hg19) VCF-style: chr8-133883703-G-A.
Other names: short protein forms V129I.
Identifiers: ClinVar variation 910762 (VCV000910762.6), dbSNP rs115677932, ClinGen allele CA4882888.

ClinVar aggregate classification (germline): Uncertain significance. Review status: criteria provided, multiple submitters, no conflicts (2 of 4 stars). 3 submissions from 3 submitters: Uncertain significance (3). Last evaluated 2023-11-17.

Conditions:
Iodotyrosyl coupling defect (TDH3). Also called: HYPOTHYROIDISM, CONGENITAL, DUE TO DYSHORMONOGENESIS, 3; THYROID HORMONOGENESIS, GENETIC DEFECT IN, 3. Identifiers: Orphanet 95716, MedGen C0342194, MONDO:0010135, OMIM 274700.
Autoimmune thyroid disease, susceptibility to, 3. Identifiers: MedGen C1842444, MONDO:0011982, OMIM 608175.

Allele frequency attached by ClinVar (database versions not stated): gnomAD 0.00001; TOPMed 0.00008.

Submissions (3):

GeneDx
Classification: Uncertain significance. Last evaluated: 2023-11-17. Review status: criteria provided, single submitter. Criteria: GeneDx Variant Classification Process June 2021. Collection method: clinical testing. Allele origin: germline. Affected: yes.
Comment: Identified in a patient with congenital hypothyroidism who also harbored a variant in the TPO gene in published literature (PMID: 32459320); In silico analysis supports that this missense variant does not alter protein structure/function; This variant is associated with the following publications: (PMID: 32459320)

Fulgent Genetics
Classification: Uncertain significance for Iodotyrosyl coupling defect; Autoimmune thyroid disease, susceptibility to, 3. Last evaluated: 2022-04-13. Review status: criteria provided, single submitter. Criteria: ACMG Guidelines, 2015. Collection method: clinical testing. Allele origin: unknown.

Illumina Laboratory Services, Illumina
Classification: Uncertain significance for Iodotyrosyl coupling defect. Last evaluated: 2017-04-27. Review status: criteria provided, single submitter. Criteria: ICSL Variant Classification Criteria 13 December 2019. Collection method: clinical testing. Allele origin: germline.